The following is an entry in ClinVar:

NM_000268.4(NF2):c.467G>A (p.Ser156Asn)

Gene: NF2 (NF2, moesin-ezrin-radixin like (MERLIN) tumor suppressor; plus strand). Cytogenetic location: 22q12.2.
Variant type: single nucleotide variant.
Coding change: c.467G>A on transcript NM_000268.4 (MANE Select); coding-DNA position 467, G replaced by A.
Protein change: p.Ser156Asn; replaces serine 156 with asparagine.
Molecular consequence: missense variant. On other transcripts: non-coding transcript variant (1), intron variant (1).
Genome position (GRCh38, 1-based): chr22:29,654,676, G>A. VCF-style: chr22-29654676-G-A. GRCh37 (hg19) VCF-style: chr22-30050665-G-A.
Other names: c.467G>A, p.Ser156Asn (NM_016418.5, NM_181825.3, NM_181832.3); c.341G>A, p.Ser114Asn (NM_181828.3); c.344G>A, p.Ser115Asn (NM_181829.3); c.218G>A, p.Ser73Asn (NM_181830.3, NM_181831.3); c.447+12391G>A (NM_181833.3); short protein forms S114N, S115N, S73N, S156N.
Identifiers: ClinVar variation 1353155 (VCV001353155.11), dbSNP rs2146966627, ClinGen allele CA411142149.

ClinVar aggregate classification (germline): Conflicting classifications of pathogenicity. Review status: criteria provided, conflicting classifications (1 of 4 stars). 2 submissions from 2 submitters: Uncertain significance (1); Likely benign (1). Last evaluated 2025-07-19.

Conditions:
Hereditary cancer-predisposing syndrome. Also called: Neoplastic Syndromes, Hereditary; Tumor predisposition; Hereditary Cancer Syndrome; Hereditary neoplastic syndrome. Identifiers: Orphanet 140162, MedGen C0027672, MeSH D009386, MONDO:0015356.
Neurofibromatosis, type 2 (SWNV). Also called: SCHWANNOMATOSIS, VESTIBULAR; NF2-Related Schwannomatosis; BILATERAL ACOUSTIC NEUROFIBROMATOSIS. Identifiers: Orphanet 637, MedGen C0027832, MONDO:0007039, OMIM 101000. Disease mechanism: loss of function.

Allele frequency attached by ClinVar (database versions not stated): gnomAD exomes below 0.00001.
gnomAD v4.1: 2 of 1,613,936 alleles (0.00012%); highest among the groups gnomAD compares: Non-Finnish European, 0.00017%; no homozygotes.

Submissions (2):

Labcorp Genetics (formerly Invitae), Labcorp
Classification: Uncertain significance for Neurofibromatosis, type 2. Last evaluated: 2025-07-19. Review status: criteria provided, single submitter. Criteria: Invitae Variant Classification Sherloc (09022015). Collection method: clinical testing. Allele origin: germline.
Comment: This sequence change replaces serine, which is neutral and polar, with asparagine, which is neutral and polar, at codon 156 of the NF2 protein (p.Ser156Asn). This variant is not present in population databases (gnomAD no frequency). This variant has not been reported in the literature in individuals affected with NF2-related conditions. ClinVar contains an entry for this variant (Variation ID: 1353155). Invitae Evidence Modeling of protein sequence and biophysical properties (such as structural, functional, and spatial information, amino acid conservation, physicochemical variation, residue mobility, and thermodynamic stability) indicates that this missense variant is not expected to disrupt NF2 protein function with a negative predictive value of 80%. In summary, the available evidence is currently insufficient to determine the role of this variant in disease. Therefore, it has been classified as a Variant of Uncertain Significance.

Ambry Genetics
Classification: Likely benign for Hereditary cancer-predisposing syndrome. Last evaluated: 2025-03-07. Review status: criteria provided, single submitter. Criteria: Ambry Variant Classification Scheme 2023. Collection method: clinical testing. Allele origin: germline.